The following is an entry in ClinVar:

ClinVar aggregate classification (germline): Likely pathogenic. Review status: reviewed by expert panel (3 of 4 stars). 3 submissions from 3 submitters: Likely pathogenic (1). 2 of the submissions do not count toward it. Last evaluated 2020-08-13.

Conditions:
Phenylketonuria (PKU). Also called: Phenylketonuria (PKU); FOLLING DISEASE; OLIGOPHRENIA PHENYLPYRUVICA; Phenylketonurias. Identifiers: Orphanet 716, MedGen C0031485, MONDO:0009861, OMIM 261600. Disease mechanism: loss of function.

Allele frequency attached by ClinVar (database versions not stated): gnomAD exomes below 0.00001.
gnomAD v4.1: 1 of 1,613,970 alleles (0.000062%); no homozygotes.

Submissions (3):

ClinGen PAH Variant Curation Expert Panel
Classification: Likely pathogenic for Phenylketonuria. Last evaluated: 2020-08-13. Review status: reviewed by expert panel. Criteria: ClinGen PAH ACMG Specifications v1. Collection method: curation. Allele origin: germline. Inheritance: Autosomal recessive inheritance.
Comment: The c.1250A>G (p.Tyr417Cys) variant in PAH has been reported in multiple individuals with PAH deficiency (BH4 deficiency excluded, PMID: 21147011). This variant has extremely low frequency in gnomAD (MAF=0.00001). It was detected with the pathogenic variant IVS10-11G>A (PMID: 28593914). Computational evidence support a deleterious effect. Another missense change at the same amino acid (p.Tyr417His) is interpreted as pathogenic. In summary, this variant meets criteria to be classified as likely pathogenic for PAH. PAH-specific ACMG/AMP criteria applied: PP4_Moderate, PM2, PM5, PM3_supporting, PP3.

MVZ Medizinische Genetik Mainz
Classification: Pathogenic for Phenylketonuria. Last evaluated: 2026-05-27. Review status: criteria provided, single submitter. Criteria: UK Practice Guidelines For Variant Classification V4 01 2020. Collection method: clinical testing. Allele origin: germline. Inheritance: Autosomal recessive inheritance. Affected: yes. Observed: 1 variant allele. Not counted in ClinVar's aggregate classification.
Comment: ACMG Criteria: PP3_STR,PM3,PM5,PM2_SUP,PP4

Labcorp Genetics (formerly Invitae), Labcorp
Classification: Pathogenic for Phenylketonuria. Last evaluated: 2025-08-11. Review status: criteria provided, single submitter. Criteria: Invitae Variant Classification Sherloc (09022015). Collection method: clinical testing. Allele origin: germline. Not counted in ClinVar's aggregate classification.
Comment: This sequence change replaces tyrosine, which is neutral and polar, with cysteine, which is neutral and slightly polar, at codon 417 of the PAH protein (p.Tyr417Cys). This variant is present in population databases (no rsID available, gnomAD 0.0009%). This missense change has been observed in individual(s) with PAH-related conditions (PMID: 21147011, 29499199, 32668217; BIOPKU). ClinVar contains an entry for this variant (Variation ID: 1327551). Invitae Evidence Modeling of protein sequence and biophysical properties (such as structural, functional, and spatial information, amino acid conservation, physicochemical variation, residue mobility, and thermodynamic stability) indicates that this missense variant is not expected to disrupt PAH protein function with a negative predictive value of 80%. Experimental studies are conflicting or provide insufficient evidence to determine the effect of this variant on PAH function (PMID: 2230084). This variant disrupts the p.Tyr417 amino acid residue in PAH. Other variant(s) that disrupt this residue have been determined to be pathogenic (PMID: 12501224, 18538294, 23500595). This suggests that this residue is clinically significant, and that variants that disrupt this residue are likely to be disease-causing. For these reasons, this variant has been classified as Pathogenic.

Literature cited by the submitters: PubMed 21147011 (cited by Labcorp Genetics (formerly Invitae), Labcorp); PubMed 29499199 (cited by Labcorp Genetics (formerly Invitae), Labcorp); PubMed 32668217 (cited by Labcorp Genetics (formerly Invitae), Labcorp); PubMed 2230084 (cited by Labcorp Genetics (formerly Invitae), Labcorp); PubMed 12501224 (cited by Labcorp Genetics (formerly Invitae), Labcorp); PubMed 18538294 (cited by Labcorp Genetics (formerly Invitae), Labcorp); PubMed 23500595 (cited by Labcorp Genetics (formerly Invitae), Labcorp).

NM_000277.3(PAH):c.1250A>G (p.Tyr417Cys)

Gene: PAH (phenylalanine hydroxylase; minus strand). Cytogenetic location: 12q23.2.
Variant type: single nucleotide variant.
Coding change: c.1250A>G on transcript NM_000277.3 (MANE Select); coding-DNA position 1250, A replaced by G.
Protein change: p.Tyr417Cys; replaces tyrosine 417 with cysteine.
Molecular consequence: missense variant.
Genome position (GRCh38, 1-based): chr12:102,840,465, T>C on the plus strand (A>G on the coding strand, the complement: PAH is on the minus strand). VCF-style: chr12-102840465-T-C. GRCh37 (hg19) VCF-style: chr12-103234243-T-C.
Other names: NM_000277.1:c.1250A>G; c.1250A>G, p.Tyr417Cys (NM_001354304.2); short protein forms Y417C.
Identifiers: ClinVar variation 1327551 (VCV001327551.5), dbSNP rs1371700813, ClinGen allele CA16020983.
Genomic context (GRCh38, chr12:102,840,465, plus strand): 5'-ATGGAATCAGCCAAAATCTTAAGCTGCTGGGTATTGTCCAAGACCTCAATCCTTTGGGTG[T>C]ATGGGTCGTAGCGAACTGAGAAGGGCCGAGGTATTGTGGCAGCAAAGTTCCTAAGACCAA-3'
Protein context (NP_000268.1, residues 407-427): PRPFSVRYDP[Tyr417Cys]TQRIEVLDNT